The following is an entry in ClinVar:

ClinVar aggregate classification (germline): Uncertain significance (1 of 4 stars; one submission).

Conditions:
WDPCP-related disorder. Also called: WDPCP-related condition.

Submission:

PreventionGenetics, part of Exact Sciences
Classification: Uncertain significance for WDPCP-related condition. Last evaluated: 2026-01-10. Review status: criteria provided, single submitter. Criteria: ACMG Guidelines, 2015. Collection method: clinical testing. Allele origin: germline.
Comment: The WDPCP c.1546_1547delCT variant is predicted to result in a frameshift and premature protein termination (p.Leu516Glyfs*17). To our knowledge, this variant has not been reported in the literature or in a large population database (gnomAD), indicating this variant is rare. At this time, the clinical significance of this variant is uncertain due to the absence of conclusive functional and genetic evidence.

NM_015910.7(WDPCP):c.1546_1547del (p.Leu516fs)

Gene: WDPCP (WD repeat containing planar cell polarity effector; minus strand). Cytogenetic location: 2p15.
Variant type: Microsatellite.
Coding change: c.1546_1547del on transcript NM_015910.7 (MANE Select); coding-DNA positions 1546 to 1547, 2 bases deleted (CT; older notation c.1546_1547delCT).
Protein change: p.Leu516fs; shifts the reading frame from leucine 516.
Molecular consequence: frameshift variant. On other transcripts: non-coding transcript variant (3).
Genome position (GRCh38, 1-based): chr2:63,381,983-63,381,984, AG deleted on the plus strand (CT on the coding strand, the reverse complement: WDPCP is on the minus strand); deleting any 2 consecutive bases within chr2:63,381,983-63,381,986 gives the same sequence; the c. name uses the placement nearest the transcript's 3' end. VCF-style (leftmost placement, unchanged base first): chr2-63381982-CAG-C. GRCh37 (hg19) VCF-style: chr2-63609117-CAG-C.
Other names: c.1069_1070del, p.Leu357fs (NM_001042692.3); c.1474_1475del, p.Leu492fs (NM_001354044.2); c.1546_1547del, p.Leu516fs (NM_001354045.2); short protein forms L492fs, L357fs, L516fs.
Identifiers: ClinVar variation 4979695 (VCV004979695.1).